The following is an entry in ClinVar:

ClinVar aggregate classification (germline): Uncertain significance (1 of 4 stars; one submission).

Submission:

GeneDx
Classification: Uncertain significance. Last evaluated: 2025-05-04. Review status: criteria provided, single submitter. Criteria: GeneDx Variant Classification Process June 2021. Collection method: clinical testing. Allele origin: germline.
Comment: Not observed at significant frequency in large population cohorts (gnomAD); In silico analysis supports a deleterious effect on splicing; Has not been previously published as pathogenic or benign to our knowledge

NM_003660.4(PPFIA3):c.1441-9G>A

Gene: PPFIA3 (PPFI scaffold protein A3; plus strand). Cytogenetic location: 19q13.33.
Variant type: single nucleotide variant.
Coding change: c.1441-9G>A on transcript NM_003660.4 (MANE Select); 9 bases into the intron before coding-DNA position 1441, G replaced by A.
Molecular consequence: intron variant.
Genome position (GRCh38, 1-based): chr19:49,134,827, G>A. VCF-style: chr19-49134827-G-A. GRCh37 (hg19) VCF-style: chr19-49638084-G-A.
Identifiers: ClinVar variation 3764470 (VCV003764470.2).
Genomic context (GRCh38, chr19:49,134,827, plus strand): 5'-AGTCTGGCAGGGGCTGTTCCTCCTGGGCGGAGCAGATTCTAACCCGACACCTCCAACACC[G>A]GCCCCCAGGAGCAGCTCTTGGCCGAAATGGAGCGGATGCAGATGGAGATCGACCAGCTGC-3'